The following is an entry in ClinVar:

ClinVar aggregate classification (germline): Pathogenic/Likely pathogenic. Review status: criteria provided, multiple submitters, no conflicts (2 of 4 stars). 4 submissions from 4 submitters: Pathogenic (2); Likely pathogenic (2). Last evaluated 2024-08-09.

Conditions:
Primary ciliary dyskinesia. Also called: Ciliary dyskinesia. Identifiers: Orphanet 244, MedGen C0008780, MONDO:0016575, HP:0012265.
Primary ciliary dyskinesia 7. Also called: CILIARY DYSKINESIA, PRIMARY, 7, WITH OR WITHOUT SITUS INVERSUS. Identifiers: Orphanet 244, MedGen C2678473, MONDO:0012748, OMIM 611884.

Allele frequency attached by ClinVar (database versions not stated): gnomAD exomes below 0.00001; gnomAD 0.00001; TOPMed 0.00001; ExAC 0.00002.
gnomAD v4.1: 3 of 1,534,406 alleles (0.0002%); highest among the groups gnomAD compares: Non-Finnish European, 0.00027%; no homozygotes.

Submissions (4):

GeneDx
Classification: Likely pathogenic. Last evaluated: 2024-08-09. Review status: criteria provided, single submitter. Criteria: GeneDx Variant Classification Process June 2021. Collection method: clinical testing. Allele origin: germline. Affected: yes.
Comment: Identified in the heterozygous state without a second DNAH11 variant in a patient with primary ciliary dyskinesia and situs ambiguus in published literature (PMID: 22184204); Nonsense variant predicted to result in protein truncation or nonsense mediated decay in a gene for which loss of function is a known mechanism of disease; Not observed at significant frequency in large population cohorts (gnomAD); This variant is associated with the following publications: (PMID: 22184204)

Labcorp Genetics (formerly Invitae), Labcorp
Classification: Pathogenic for Primary ciliary dyskinesia. Last evaluated: 2024-07-01. Review status: criteria provided, single submitter. Criteria: Invitae Variant Classification Sherloc (09022015). Collection method: clinical testing. Allele origin: germline.
Comment: This sequence change creates a premature translational stop signal (p.Gln3442*) in the DNAH11 gene. It is expected to result in an absent or disrupted protein product. Loss-of-function variants in DNAH11 are known to be pathogenic (PMID: 18022865, 20513915, 22184204). The frequency data for this variant in the population databases is considered unreliable, as metrics indicate poor data quality at this position in the gnomAD database. This premature translational stop signal has been observed in individual(s) with primary ciliary dyskinesia (PMID: 22184204). ClinVar contains an entry for this variant (Variation ID: 238887). For these reasons, this variant has been classified as Pathogenic.

Fulgent Genetics
Classification: Likely pathogenic for Primary ciliary dyskinesia 7. Last evaluated: 2024-04-30. Review status: criteria provided, single submitter. Criteria: ACMG Guidelines, 2015. Collection method: clinical testing. Allele origin: germline.

Ambry Genetics
Classification: Pathogenic for Primary ciliary dyskinesia. Last evaluated: 2021-10-05. Review status: criteria provided, single submitter. Criteria: Ambry Variant Classification Scheme 2023. Collection method: clinical testing. Allele origin: germline.
Comment: The p.Q3442* pathogenic mutation (also known as c.10324C>T), located in coding exon 63 of the DNAH11 gene, results from a C to T substitution at nucleotide position 10324. This changes the amino acid from a glutamine to a stop codon within coding exon 63. This alteration has been reported in a primary ciliary dyskinesia cohort (Knowles MR et al. Thorax, 2012 May;67:433-41). In addition, this variant is considered to be rare based on population cohorts in the Genome Aggregation Database (gnomAD). This alteration is expected to result in loss of function by premature protein truncation or nonsense-mediated mRNA decay. As such, this alteration is interpreted as a disease-causing mutation.

Literature cited by the submitters: PubMed 18022865 (cited by Labcorp Genetics (formerly Invitae), Labcorp); PubMed 20513915 (cited by Labcorp Genetics (formerly Invitae), Labcorp); PubMed 22184204 (cited by Labcorp Genetics (formerly Invitae), Labcorp and Ambry Genetics).

NM_001277115.2(DNAH11):c.10324C>T (p.Gln3442Ter)

Gene: DNAH11 (dynein axonemal heavy chain 11; plus strand). Cytogenetic location: 7p15.3.
Variant type: single nucleotide variant.
Coding change: c.10324C>T on transcript NM_001277115.2 (MANE Select); coding-DNA position 10324, C replaced by T.
Protein change: p.Gln3442Ter; replaces glutamine 3442 with a stop codon.
Molecular consequence: nonsense.
Genome position (GRCh38, 1-based): chr7:21,808,041, C>T. VCF-style: chr7-21808041-C-T. GRCh37 (hg19) VCF-style: chr7-21847659-C-T.
Other names: short protein forms Q3442*.
Identifiers: ClinVar variation 238887 (VCV000238887.12), dbSNP rs72657393, ClinGen allele CA4182316.